The following is an entry in ClinVar:

ClinVar aggregate classification (germline): Conflicting classifications of pathogenicity. Review status: criteria provided, conflicting classifications (1 of 4 stars). 5 submissions from 5 submitters: Uncertain significance (1); Benign (1); Likely benign (2). 1 of the submissions does not count toward it. Last evaluated 2026-01-06.

Conditions:
Seckel syndrome 1 (SCKL1). Also called: MICROCEPHALIC PRIMORDIAL DWARFISM I. Identifiers: Orphanet 808, MedGen C4551474, MONDO:0008869, OMIM 210600.
ATR-related disorder. Also called: ATR-related condition.

Allele frequency attached by ClinVar (database versions not stated): 1000 Genomes Project 30x 0.00031; TOPMed 0.00034; ESP Exome Variant Server 0.00038; 1000 Genomes Project 0.00040; gnomAD exomes 0.00081 and 0.00140; ExAC 0.00107; gnomAD 0.00138 and 0.00145.
gnomAD v4.1: 1,388 of 1,613,310 alleles (0.086%); highest among the groups gnomAD compares: South Asian, 0.045%; 6 homozygotes.

Submissions (5):

Labcorp Genetics (formerly Invitae), Labcorp
Classification: Likely benign. Last evaluated: 2026-01-06. Review status: criteria provided, single submitter. Criteria: Invitae Variant Classification Sherloc (09022015). Collection method: clinical testing. Allele origin: germline.

Blueprint Genetics
Classification: Likely benign. Last evaluated: 2024-11-01. Review status: criteria provided, single submitter. Criteria: ACMG Guidelines, 2015. Collection method: clinical testing. Allele origin: germline.

Genetic Services Laboratory, University of Chicago
Classification: Benign. Last evaluated: 2019-06-25. Review status: criteria provided, single submitter. Criteria: ACMG Guidelines, 2015. Collection method: clinical testing. Allele origin: germline. Affected: no.

Illumina Laboratory Services, Illumina
Classification: Uncertain significance for Seckel syndrome 1. Last evaluated: 2017-04-27. Review status: criteria provided, single submitter. Criteria: ICSL Variant Classification Criteria 13 December 2019. Collection method: clinical testing. Allele origin: germline.
Comment: This variant was observed as part of a predisposition screen in an ostensibly healthy population. A literature search was performed for the gene, cDNA change, and amino acid change (where applicable). Publications were found based on this search. However, the evidence from the literature, in combination with allele frequency data from public databases where available, was not sufficient to rule this variant in or out of causing disease. Therefore, this variant is classified as a variant of unknown significance.

PreventionGenetics, part of Exact Sciences
Classification: Likely benign for ATR-related condition. Last evaluated: 2024-06-06. Review status: no assertion criteria provided. Collection method: clinical testing. Allele origin: germline. Not counted in ClinVar's aggregate classification.
Comment: This variant is classified as likely benign based on ACMG/AMP sequence variant interpretation guidelines (Richards et al. 2015 PMID: 25741868, with internal and published modifications).

Literature cited by the submitters: PubMed 15987455 (cited by Illumina Laboratory Services, Illumina).

NM_001184.4(ATR):c.4576A>G (p.Ile1526Val)

Gene: ATR (ATR checkpoint kinase; minus strand). Cytogenetic location: 3q23.
Variant type: single nucleotide variant.
Coding change: c.4576A>G on transcript NM_001184.4 (MANE Select); coding-DNA position 4576, A replaced by G.
Protein change: p.Ile1526Val; replaces isoleucine 1526 with valine.
Molecular consequence: missense variant.
Genome position (GRCh38, 1-based): chr3:142,513,566, T>C on the plus strand (A>G on the coding strand, the complement: ATR is on the minus strand). VCF-style: chr3-142513566-T-C. GRCh37 (hg19) VCF-style: chr3-142232408-T-C.
Other names: c.4384A>G, p.Ile1462Val (NM_001354579.2); short protein forms I1526V, I1462V.
Identifiers: ClinVar variation 434455 (VCV000434455.20), dbSNP rs34124242, ClinGen allele CA2649816.